The following is an entry in ClinVar:

ClinVar aggregate classification (germline): Uncertain significance. Review status: criteria provided, multiple submitters, no conflicts (2 of 4 stars). 3 submissions from 3 submitters: Uncertain significance (3). Last evaluated 2025-05-07.

Conditions:
Inborn genetic diseases. Identifiers: MedGen C0950123, MeSH D030342.

Allele frequency attached by ClinVar (database versions not stated): TOPMed 0.00009; gnomAD 0.00006; gnomAD exomes 0.00020.

Submissions (3):

GeneDx
Classification: Uncertain significance. Last evaluated: 2025-05-07. Review status: criteria provided, single submitter. Criteria: GeneDx Variant Classification Process June 2021. Collection method: clinical testing. Allele origin: germline.
Comment: In silico analysis suggests that this missense variant does not alter protein structure/function; Has not been previously published as pathogenic or benign to our knowledge

Women's Health and Genetics/Laboratory Corporation of America, LabCorp
Classification: Uncertain significance. Last evaluated: 2022-05-05. Review status: criteria provided, single submitter. Criteria: LabCorp Variant Classification Summary - May 2015. Collection method: clinical testing. Allele origin: germline.
Comment: Variant summary: HERC2 c.4091G>A (p.Cys1364Tyr) results in a non-conservative amino acid change in the encoded protein sequence. Three of five in-silico tools predict a damaging effect of the variant on protein function. The variant allele was found at a frequency of 0.0002 in 58674 control chromosomes. This frequency does not allow conclusions about variant significance. To our knowledge, no occurrence of c.4091G>A in individuals affected with Intellectual Developmental Disorder, Autosomal Recessive 38 and no experimental evidence demonstrating its impact on protein function have been reported. No clinical diagnostic laboratories have submitted clinical-significance assessments for this variant to ClinVar after 2014. Based on the evidence outlined above, the variant was classified as uncertain significance.

Ambry Genetics
Classification: Uncertain significance for Inborn genetic diseases. Last evaluated: 2021-05-06. Review status: criteria provided, single submitter. Criteria: Ambry Variant Classification Scheme 2023. Collection method: clinical testing. Allele origin: germline.

NM_004667.6(HERC2):c.4091G>A (p.Cys1364Tyr)

Gene: HERC2 (HECT and RLD domain containing E3 ubiquitin protein ligase 2; minus strand). Cytogenetic location: 15q13.1.
Variant type: single nucleotide variant.
Coding change: c.4091G>A on transcript NM_004667.6 (MANE Select); coding-DNA position 4091, G replaced by A.
Protein change: p.Cys1364Tyr; replaces cysteine 1364 with tyrosine.
Molecular consequence: missense variant.
Genome position (GRCh38, 1-based): chr15:28,234,197, C>T on the plus strand (G>A on the coding strand, the complement: HERC2 is on the minus strand). VCF-style: chr15-28234197-C-T. GRCh37 (hg19) VCF-style: chr15-28479343-C-T.
Other names: c.4091G>A (NM_004667.4); short protein forms C1364Y.
Identifiers: ClinVar variation 1696258 (VCV001696258.6), dbSNP rs923003032, ClinGen allele CA267913255.